The following is an entry in ClinVar:

ClinVar aggregate classification (germline): Likely benign (1 of 4 stars; one submission).

gnomAD v4.1: 10,723 of 1,612,868 alleles (0.66%); highest among the groups gnomAD compares: Middle Eastern, 0.97%; 45 homozygotes.

Submissions (8):

CeGaT Center for Human Genetics Tuebingen
Classification: Likely benign. Last evaluated: 2026-07-01. Review status: criteria provided, single submitter. Criteria: CeGaT Center For Human Genetics Tuebingen Variant Classification Criteria Version 2. Collection method: clinical testing. Allele origin: germline. Affected: yes. Observed: 1 variant allele.
Comment: PDIA2: BP4, BS2

Dr. Peter K. Rogan Lab, Western University
No classification provided (evidence only). Condition: Acute myeloid leukemia. Review status: no classification provided. Collection method: in vitro. Allele origin: not applicable. Functional consequence: retained intron. Not counted in ClinVar's aggregate classification.

Dr. Peter K. Rogan Lab, Western University
No classification provided (evidence only). Condition: Acute myeloid leukemia. Review status: no classification provided. Collection method: in vitro. Allele origin: not applicable. Functional consequence: retained intron. Not counted in ClinVar's aggregate classification.

Dr. Peter K. Rogan Lab, Western University
No classification provided (evidence only). Condition: Sarcoma. Review status: no classification provided. Collection method: in vitro. Allele origin: not applicable. Functional consequence: cryptic splice site, retained intron. Not counted in ClinVar's aggregate classification.

Dr. Peter K. Rogan Lab, Western University
No classification provided (evidence only). Condition: Sarcoma. Review status: no classification provided. Collection method: in vitro. Allele origin: not applicable. Functional consequence: cryptic splice site. Not counted in ClinVar's aggregate classification.

Dr. Peter K. Rogan Lab, Western University
No classification provided (evidence only). Condition: Ovarian serous cystadenocarcinoma. Review status: no classification provided. Collection method: in vitro. Allele origin: not applicable. Functional consequence: retained intron. Not counted in ClinVar's aggregate classification.

Dr. Peter K. Rogan Lab, Western University
No classification provided (evidence only). Condition: Uterine carcinosarcoma. Review status: no classification provided. Collection method: in vitro. Allele origin: not applicable. Functional consequence: cryptic splice site, retained intron. Not counted in ClinVar's aggregate classification.

Dr. Peter K. Rogan Lab, Western University
No classification provided (evidence only). Condition: Malignant tumor of esophagus. Review status: no classification provided. Collection method: in vitro. Allele origin: not applicable. Functional consequence: retained intron. Not counted in ClinVar's aggregate classification.

NM_006849.4(PDIA2):c.1418G>A (p.Arg473Gln)

Gene: PDIA2 (protein disulfide isomerase family A member 2; plus strand). Cytogenetic location: 16p13.3.
Variant type: single nucleotide variant.
Coding change: c.1418G>A on transcript NM_006849.4 (MANE Select); coding-DNA position 1418, G replaced by A.
Protein change: p.Arg473Gln; replaces arginine 473 with glutamine.
Molecular consequence: missense variant.
Genome position (GRCh38, 1-based): chr16:286,731, G>A. VCF-style: chr16-286731-G-A. GRCh37 (hg19) VCF-style: chr16-336731-G-A.
Other names: NC_000016.9:g.336731G>A; short protein forms R473Q.
Identifiers: ClinVar variation 4411645 (VCV004411645.2).